The following is an entry in ClinVar:

ClinVar aggregate classification (germline): Likely benign (0 of 4 stars; one submission).

Conditions:
NTRK2-related disorder. Also called: NTRK2-related condition.

Submission:

PreventionGenetics, part of Exact Sciences
Classification: Likely benign for NTRK2-related condition. Last evaluated: 2022-10-11. Review status: no assertion criteria provided. Collection method: clinical testing. Allele origin: germline.
Comment: This variant is classified as likely benign based on ACMG/AMP sequence variant interpretation guidelines (Richards et al. 2015 PMID: 25741868, with internal and published modifications).

NM_006180.6(NTRK2):c.288-5C>T

Gene: NTRK2 (neurotrophic receptor tyrosine kinase 2; plus strand). Cytogenetic location: 9q21.33.
Variant type: single nucleotide variant.
Coding change: c.288-5C>T on transcript NM_006180.6 (MANE Select); 5 bases into the intron before coding-DNA position 288, C replaced by T.
Molecular consequence: intron variant.
Genome position (GRCh38, 1-based): chr9:84,702,343, C>T. VCF-style: chr9-84702343-C-T. GRCh37 (hg19) VCF-style: chr9-87317258-C-T.
Other names: c.288-5C>T (NM_001369532.1, NM_001369533.1, NM_001018066.3 and 18 more transcripts); c.-181-5C>T (NM_001369536.1, NM_001369535.1, NM_001369550.1 and 1 more transcripts).
Identifiers: ClinVar variation 3354581 (VCV003354581.1).